The following is an entry in ClinVar:

NM_014141.6(CNTNAP2):c.1359G>C (p.Leu453Phe)

Gene: CNTNAP2 (contactin associated protein 2; plus strand). Cytogenetic location: 7q35.
Variant type: single nucleotide variant.
Coding change: c.1359G>C on transcript NM_014141.6 (MANE Select); coding-DNA position 1359, G replaced by C.
Protein change: p.Leu453Phe; replaces leucine 453 with phenylalanine.
Molecular consequence: missense variant.
Genome position (GRCh38, 1-based): chr7:147,300,151, G>C. VCF-style: chr7-147300151-G-C. GRCh37 (hg19) VCF-style: chr7-146997243-G-C.
Other names: short protein forms L453F.
Identifiers: ClinVar variation 841475 (VCV000841475.14), dbSNP rs781466709, ClinGen allele CA4546047.

ClinVar aggregate classification (germline): Uncertain significance. Review status: criteria provided, multiple submitters, no conflicts (2 of 4 stars). 3 submissions from 3 submitters: Uncertain significance (3). Last evaluated 2025-04-30.

Conditions:
Inborn genetic diseases. Identifiers: MedGen C0950123, MeSH D030342.
Cortical dysplasia-focal epilepsy syndrome (PTHSL1). Also called: Pitt-Hopkins-like syndrome 1. Identifiers: Orphanet 163681, Orphanet 221150, MedGen C2750246, MONDO:0012400, OMIM 610042.

Allele frequency attached by ClinVar (database versions not stated): gnomAD exomes 0.00005 and 0.00008; ExAC 0.00009; gnomAD below 0.00001 and 0.00004; TOPMed below 0.00001.
gnomAD v4.1: 83 of 1,613,908 alleles (0.0051%); highest among the groups gnomAD compares: South Asian, 0.085%; no homozygotes.

Submissions (3):

GeneDx
Classification: Uncertain significance. Last evaluated: 2025-04-30. Review status: criteria provided, single submitter. Criteria: GeneDx Variant Classification Process June 2021. Collection method: clinical testing. Allele origin: germline.
Comment: In silico analysis supports that this missense variant has a deleterious effect on protein structure/function; Has not been previously published as pathogenic or benign to our knowledge

Ambry Genetics
Classification: Uncertain significance for Inborn genetic diseases. Last evaluated: 2022-08-17. Review status: criteria provided, single submitter. Criteria: Ambry Variant Classification Scheme 2023. Collection method: clinical testing. Allele origin: germline.

Labcorp Genetics (formerly Invitae), Labcorp
Classification: Uncertain significance for Cortical dysplasia-focal epilepsy syndrome. Last evaluated: 2022-07-29. Review status: criteria provided, single submitter. Criteria: Invitae Variant Classification Sherloc (09022015). Collection method: clinical testing. Allele origin: germline.
Comment: This sequence change replaces leucine, which is neutral and non-polar, with phenylalanine, which is neutral and non-polar, at codon 453 of the CNTNAP2 protein (p.Leu453Phe). This variant is present in population databases (rs781466709, gnomAD 0.07%). This variant has not been reported in the literature in individuals affected with CNTNAP2-related conditions. ClinVar contains an entry for this variant (Variation ID: 841475). Algorithms developed to predict the effect of missense changes on protein structure and function are either unavailable or do not agree on the potential impact of this missense change (SIFT: "Deleterious"; PolyPhen-2: "Probably Damaging"; Align-GVGD: "Class C0"). In summary, the available evidence is currently insufficient to determine the role of this variant in disease. Therefore, it has been classified as a Variant of Uncertain Significance.